The following is an entry in ClinVar:

NM_000036.3(AMPD1):c.1465G>A (p.Ala489Thr)

Gene: AMPD1 (adenosine monophosphate deaminase 1; minus strand). Cytogenetic location: 1p13.2.
Variant type: single nucleotide variant.
Coding change: c.1465G>A on transcript NM_000036.3 (MANE Select); coding-DNA position 1465, G replaced by A.
Protein change: p.Ala489Thr; replaces alanine 489 with threonine.
Molecular consequence: missense variant.
Genome position (GRCh38, 1-based): chr1:114,675,927, C>T on the plus strand (G>A on the coding strand, the complement: AMPD1 is on the minus strand). VCF-style: chr1-114675927-C-T. GRCh37 (hg19) VCF-style: chr1-115218548-C-T.
Other names: c.1564G>A (NM_000036.2); c.1453G>A, p.Ala485Thr (NM_001172626.2); short protein forms A489T, A485T.
Identifiers: ClinVar variation 2060711 (VCV002060711.2), dbSNP rs771241061, ClinGen allele CA1020109.

ClinVar aggregate classification (germline): Uncertain significance. Review status: criteria provided, multiple submitters, no conflicts (2 of 4 stars). 2 submissions from 2 submitters: Uncertain significance (2). Last evaluated 2025-06-12.

Conditions:
Inborn genetic diseases. Identifiers: MedGen C0950123, MeSH D030342.
Muscle AMP deaminase deficiency (MMDD). Also called: Adenosine monophosphate deaminase 1 deficiency; AMP deaminase 1 deficiency; Adenosine Monophosphate Deaminase 1; Myoadenylate deaminase deficiency, myopathy due to; ADENOSINE MONOPHOSPHATE DEAMINASE-1 DEFICIENCY, MYOPATHY DUE TO; AMPD1 DEFICIENCY. Identifiers: Orphanet 45, MedGen C3714933, MONDO:0014220, OMIM 615511.

Allele frequency attached by ClinVar (database versions not stated): gnomAD 0.00001; gnomAD exomes 0.00001; TOPMed 0.00001; ExAC 0.00004.
gnomAD v4.1: 7 of 1,613,928 alleles (0.00043%); highest among the groups gnomAD compares: Admixed American, 0.012%; no homozygotes.

Submissions (2):

Ambry Genetics
Classification: Uncertain significance for Inborn genetic diseases. Last evaluated: 2025-06-12. Review status: criteria provided, single submitter. Criteria: Ambry Variant Classification Scheme 2023. Collection method: clinical testing. Allele origin: germline.

Labcorp Genetics (formerly Invitae), Labcorp
Classification: Uncertain significance for Muscle AMP deaminase deficiency. Last evaluated: 2022-07-05. Review status: criteria provided, single submitter. Criteria: Invitae Variant Classification Sherloc (09022015). Collection method: clinical testing. Allele origin: germline.
Comment: This sequence change replaces alanine, which is neutral and non-polar, with threonine, which is neutral and polar, at codon 522 of the AMPD1 protein (p.Ala522Thr). This variant is present in population databases (rs771241061, gnomAD 0.02%). This variant has not been reported in the literature in individuals affected with AMPD1-related conditions. Algorithms developed to predict the effect of missense changes on protein structure and function are either unavailable or do not agree on the potential impact of this missense change (SIFT: "Tolerated"; PolyPhen-2: "Probably Damaging"; Align-GVGD: "Class C0"). In summary, the available evidence is currently insufficient to determine the role of this variant in disease. Therefore, it has been classified as a Variant of Uncertain Significance.